The following is an entry in ClinVar:

NM_000760.4(CSF3R):c.967C>A (p.Pro323Thr)

Gene: CSF3R (colony stimulating factor 3 receptor; minus strand). Cytogenetic location: 1p34.3.
Variant type: single nucleotide variant.
Coding change: c.967C>A on transcript NM_000760.4 (MANE Select); coding-DNA position 967, C replaced by A.
Protein change: p.Pro323Thr; replaces proline 323 with threonine.
Molecular consequence: missense variant.
Genome position (GRCh38, 1-based): chr1:36,472,268, G>T on the plus strand (C>A on the coding strand, the complement: CSF3R is on the minus strand). VCF-style: chr1-36472268-G-T. GRCh37 (hg19) VCF-style: chr1-36937869-G-T.
Other names: c.967C>A, p.Pro323Thr (NM_156039.3, NM_172313.3); short protein forms P323T.
Identifiers: ClinVar variation 3607821 (VCV003607821.2).

ClinVar aggregate classification (germline): Uncertain significance (1 of 4 stars; one submission).

Conditions:
Autosomal recessive severe congenital neutropenia due to CSF3R deficiency. Also called: Neutropenia, severe congenital, 7, autosomal recessive. Identifiers: Orphanet 420702, MedGen C4310764, MONDO:0014865, OMIM 617014.

gnomAD v4.1: 4 of 1,614,232 alleles (0.00025%); highest among the groups gnomAD compares: Non-Finnish European, 0.00034%; no homozygotes.

Submission:

Labcorp Genetics (formerly Invitae), Labcorp
Classification: Uncertain significance for Autosomal recessive severe congenital neutropenia due to CSF3R deficiency. Last evaluated: 2024-08-21. Review status: criteria provided, single submitter. Criteria: Invitae Variant Classification Sherloc (09022015). Collection method: clinical testing. Allele origin: germline.
Comment: This sequence change replaces proline, which is neutral and non-polar, with threonine, which is neutral and polar, at codon 323 of the CSF3R protein (p.Pro323Thr). This variant is not present in population databases (gnomAD no frequency). This variant has not been reported in the literature in individuals affected with CSF3R-related conditions. Invitae Evidence Modeling of protein sequence and biophysical properties (such as structural, functional, and spatial information, amino acid conservation, physicochemical variation, residue mobility, and thermodynamic stability) indicates that this missense variant is not expected to disrupt CSF3R protein function with a negative predictive value of 80%. In summary, the available evidence is currently insufficient to determine the role of this variant in disease. Therefore, it has been classified as a Variant of Uncertain Significance.